The following is an entry in ClinVar:

ClinVar aggregate classification (germline): Likely benign. Review status: criteria provided, multiple submitters, no conflicts (2 of 4 stars). 3 submissions from 3 submitters: Likely benign (3). Last evaluated 2026-01-04.

Conditions:
Hereditary cancer-predisposing syndrome. Also called: Tumor predisposition; Hereditary neoplastic syndrome; Neoplastic Syndromes, Hereditary; Hereditary Cancer Syndrome. Identifiers: Orphanet 140162, MedGen C0027672, MeSH D009386, MONDO:0015356.
Familial adenomatous polyposis 2. Also called: FAP type 2; MUTYH Polyposis; MUTYH-related attenuated familial adenomatous polyposis; COLORECTAL ADENOMATOUS POLYPOSIS, AUTOSOMAL RECESSIVE; ADENOMAS, MULTIPLE COLORECTAL, AUTOSOMAL RECESSIVE; Adenomas, multiple colorectal. Identifiers: Orphanet 220460, Orphanet 247798, MedGen C3272841, MONDO:0012041, OMIM 608456.

Allele frequency attached by ClinVar (database versions not stated): gnomAD exomes below 0.00001; gnomAD 0.00001; TOPMed 0.00002.
gnomAD v4.1: 3 of 1,614,106 alleles (0.00019%); highest among the groups gnomAD compares: African/African-American, 0.004%; no homozygotes.

Submissions (3):

Labcorp Genetics (formerly Invitae), Labcorp
Classification: Likely benign for Familial adenomatous polyposis 2. Last evaluated: 2026-01-04. Review status: criteria provided, single submitter. Criteria: Invitae Variant Classification Sherloc (09022015). Collection method: clinical testing. Allele origin: germline.

Ambry Genetics
Classification: Likely benign for Hereditary cancer-predisposing syndrome. Last evaluated: 2017-11-03. Review status: criteria provided, single submitter. Criteria: Ambry Variant Classification Scheme 2023. Collection method: clinical testing. Allele origin: germline.

GeneDx
Classification: Likely benign. Last evaluated: 2017-09-15. Review status: criteria provided, single submitter. Criteria: GeneDx Variant Classification (06012015). Collection method: clinical testing. Allele origin: germline. Affected: yes.
Comment: This variant is considered likely benign or benign based on one or more of the following criteria: it is a conservative change, it occurs at a poorly conserved position in the protein, it is predicted to be benign by multiple in silico algorithms, and/or has population frequency not consistent with disease.

NM_001048174.2(MUTYH):c.1179G>A (p.Leu393=)

Gene: MUTYH (mutY DNA glycosylase; minus strand). Cytogenetic location: 1p34.1.
Variant type: single nucleotide variant.
Coding change: c.1179G>A on transcript NM_001048174.2 (MANE Select); coding-DNA position 1179, G replaced by A.
Protein change: p.Leu393=; no amino-acid change (leucine 393 retained).
Molecular consequence: synonymous variant. On other transcripts: non-coding transcript variant (2).
Genome position (GRCh38, 1-based): chr1:45,331,480, C>T on the plus strand (G>A on the coding strand, the complement: MUTYH is on the minus strand). VCF-style: chr1-45331480-C-T. GRCh37 (hg19) VCF-style: chr1-45797152-C-T.
Other names: c.1179G>A, p.Leu393= (NM_001048171.2, NM_001048173.2, NM_001293195.2); c.1182G>A, p.Leu394= (NM_001048172.2); c.1263G>A, p.Leu421= (NM_001128425.2); c.1224G>A, p.Leu408= (NM_001293190.2); c.1212G>A, p.Leu404= (NM_001293191.2); c.903G>A, p.Leu301= (NM_001293192.2, NM_001293196.2); c.834G>A, p.Leu278= (NM_001350650.2, NM_001350651.2); c.1254G>A, p.Leu418= (NM_012222.3).
Identifiers: ClinVar variation 238335 (VCV000238335.13), dbSNP rs878854184, ClinGen allele CA10581803.